The following is an entry in ClinVar:

NM_014000.3(VCL):c.2777G>A (p.Gly926Asp)

Gene: VCL (vinculin; plus strand). Cytogenetic location: 10q22.2.
Variant type: single nucleotide variant.
Coding change: c.2777G>A on transcript NM_014000.3 (MANE Select); coding-DNA position 2777, G replaced by A.
Protein change: p.Gly926Asp; replaces glycine 926 with aspartic acid.
Molecular consequence: missense variant. On other transcripts: intron variant (1).
Genome position (GRCh38, 1-based): chr10:74,111,940, G>A. VCF-style: chr10-74111940-G-A. GRCh37 (hg19) VCF-style: chr10-75871698-G-A.
Other names: c.2746-2244G>A (NM_003373.4); short protein forms G926D.
Identifiers: ClinVar variation 1795863 (VCV001795863.2), dbSNP rs1840228150, ClinGen allele CA377264582.

ClinVar aggregate classification (germline): Uncertain significance (1 of 4 stars; one submission).

Conditions:
Cardiovascular phenotype. Identifiers: MedGen CN230736.

Allele frequency attached by ClinVar (database versions not stated): TOPMed below 0.00001.

Submission:

Ambry Genetics
Classification: Uncertain significance for Cardiovascular phenotype. Last evaluated: 2022-02-04. Review status: criteria provided, single submitter. Criteria: Ambry Variant Classification Scheme 2023. Collection method: clinical testing. Allele origin: germline.
Comment: The p.G926D variant (also known as c.2777G>A), located in coding exon 19 of the VCL gene, results from a G to A substitution at nucleotide position 2777. The glycine at codon 926 is replaced by aspartic acid, an amino acid with similar properties. This amino acid position is conserved. In addition, this alteration is predicted to be tolerated by in silico analysis. Since supporting evidence is limited at this time, the clinical significance of this alteration remains unclear.